The following is an entry in ClinVar:

NM_015378.4(VPS13D):c.1103A>T (p.Asp368Val)

Gene: VPS13D (vacuolar protein sorting 13 homolog D; plus strand). Cytogenetic location: 1p36.22.
Variant type: single nucleotide variant.
Coding change: c.1103A>T on transcript NM_015378.4 (MANE Select); coding-DNA position 1103, A replaced by T.
Protein change: p.Asp368Val; replaces aspartic acid 368 with valine.
Molecular consequence: missense variant.
Genome position (GRCh38, 1-based): chr1:12,258,096, A>T. VCF-style: chr1-12258096-A-T. GRCh37 (hg19) VCF-style: chr1-12318153-A-T.
Other names: c.1103A>T (NM_015378.3); c.1103A>T, p.Asp368Val (NM_018156.4); short protein forms D368V.
Identifiers: ClinVar variation 2175582 (VCV002175582.5), dbSNP rs142033335, ClinGen allele CA601414.

ClinVar aggregate classification (germline): Conflicting classifications of pathogenicity. Review status: criteria provided, conflicting classifications (1 of 4 stars). 2 submissions from 2 submitters: Uncertain significance (1); Likely benign (1). Last evaluated 2025-06-12.

Allele frequency attached by ClinVar (database versions not stated): ExAC 0.00020; 1000 Genomes Project 0.00040; 1000 Genomes Project 30x 0.00047; gnomAD 0.00057; TOPMed 0.00061; ESP Exome Variant Server 0.00069.
gnomAD v4.1: 188 of 1,614,216 alleles (0.012%); highest among the groups gnomAD compares: African/African-American, 0.2%; no homozygotes.

Submissions (2):

Labcorp Genetics (formerly Invitae), Labcorp
Classification: Likely benign. Last evaluated: 2025-06-12. Review status: criteria provided, single submitter. Criteria: Invitae Variant Classification Sherloc (09022015). Collection method: clinical testing. Allele origin: germline.

GeneDx
Classification: Uncertain significance. Last evaluated: 2023-02-15. Review status: criteria provided, single submitter. Criteria: GeneDx Variant Classification Process June 2021. Collection method: clinical testing. Allele origin: germline. Affected: yes.
Comment: In silico analysis supports that this missense variant has a deleterious effect on protein structure/function; Has not been previously published as pathogenic or benign to our knowledge